The following is an entry in ClinVar:

NM_199355.4(ADAMTS18):c.2871G>T (p.Gln957His)

Gene: ADAMTS18 (ADAM metallopeptidase with thrombospondin type 1 motif 18; minus strand). Cytogenetic location: 16q23.1.
Variant type: single nucleotide variant.
Coding change: c.2871G>T on transcript NM_199355.4 (MANE Select); coding-DNA position 2871, G replaced by T.
Protein change: p.Gln957His; replaces glutamine 957 with histidine.
Molecular consequence: missense variant.
Genome position (GRCh38, 1-based): chr16:77,295,058, C>A on the plus strand (G>T on the coding strand, the complement: ADAMTS18 is on the minus strand). VCF-style: chr16-77295058-C-A. GRCh37 (hg19) VCF-style: chr16-77328955-C-A.
Other names: c.2355G>T, p.Gln785His (NM_001326358.2); c.2871G>T (NM_199355.2); short protein forms Q957H, Q785H.
Identifiers: ClinVar variation 1912679 (VCV001912679.4), dbSNP rs1013351286, ClinGen allele CA284426930.

ClinVar aggregate classification (germline): Uncertain significance. Review status: criteria provided, multiple submitters, no conflicts (2 of 4 stars). 2 submissions from 2 submitters: Uncertain significance (2). Last evaluated 2025-08-22.

Conditions:
Inborn genetic diseases. Identifiers: MedGen C0950123, MeSH D030342.

Submissions (2):

Ambry Genetics
Classification: Uncertain significance for Inborn genetic diseases. Last evaluated: 2025-08-22. Review status: criteria provided, single submitter. Criteria: Ambry Variant Classification Scheme 2023. Collection method: clinical testing. Allele origin: germline.

Labcorp Genetics (formerly Invitae), Labcorp
Classification: Uncertain significance. Last evaluated: 2023-12-21. Review status: criteria provided, single submitter. Criteria: Invitae Variant Classification Sherloc (09022015). Collection method: clinical testing. Allele origin: germline.
Comment: This sequence change replaces glutamine, which is neutral and polar, with histidine, which is basic and polar, at codon 957 of the ADAMTS18 protein (p.Gln957His). This variant is not present in population databases (gnomAD no frequency). This variant has not been reported in the literature in individuals affected with ADAMTS18-related conditions. ClinVar contains an entry for this variant (Variation ID: 1912679). An algorithm developed to predict the effect of missense changes on protein structure and function (PolyPhen-2) suggests that this variant¬†is likely to be tolerated. In summary, the available evidence is currently insufficient to determine the role of this variant in disease. Therefore, it has been classified as a Variant of Uncertain Significance.